The following is an entry in ClinVar:

NM_001458.5(FLNC):c.5724C>A (p.Asp1908Glu)

Genes: FLNC (filamin C; plus strand), FLNC-AS1 (FLNC antisense RNA 1; minus strand). Cytogenetic location: 7q32.1.
Variant type: single nucleotide variant.
Coding change: c.5724C>A on transcript NM_001458.5 (MANE Select); coding-DNA position 5724, C replaced by A.
Protein change: p.Asp1908Glu; replaces aspartic acid 1908 with glutamic acid.
Molecular consequence: missense variant.
Genome position (GRCh38, 1-based): chr7:128,851,510, C>A. VCF-style: chr7-128851510-C-A. GRCh37 (hg19) VCF-style: chr7-128491564-C-A.
Other names: c.5625C>A, p.Asp1875Glu (NM_001127487.2); short protein forms D1875E, D1908E.
Identifiers: ClinVar variation 1460963 (VCV001460963.11), dbSNP rs2128938449, ClinGen allele CA369208171.

ClinVar aggregate classification (germline): Uncertain significance. Review status: criteria provided, multiple submitters, no conflicts (2 of 4 stars). 2 submissions from 2 submitters: Uncertain significance (2). Last evaluated 2025-04-10.

Conditions:
Cardiovascular phenotype. Identifiers: MedGen CN230736.
Myofibrillar myopathy 5. Also called: Filaminopathy (type); FILAMINOPATHY, AUTOSOMAL DOMINANT. Identifiers: Orphanet 171445, MedGen C1836050, MONDO:0012289, OMIM 609524.
Distal myopathy with posterior leg and anterior hand involvement. Also called: WILLIAMS DISTAL MYOPATHY. Identifiers: Orphanet 63273, MedGen C3279722, MONDO:0013550, OMIM 614065.
Hypertrophic cardiomyopathy 26. Also called: Cardiomyopathy, familial hypertrophic, 26. Identifiers: Orphanet 75249, MedGen C4310749, MONDO:0014883, OMIM 617047.

Allele frequency attached by ClinVar (database versions not stated): gnomAD exomes below 0.00001.
gnomAD v4.1: 1 of 1,613,998 alleles (0.000062%); highest among the groups gnomAD compares: African/African-American, 0.0013%; no homozygotes.

Submissions (2):

Ambry Genetics
Classification: Uncertain significance for Cardiovascular phenotype. Last evaluated: 2025-04-10. Review status: criteria provided, single submitter. Criteria: Ambry Variant Classification Scheme 2023. Collection method: clinical testing. Allele origin: germline.
Comment: The p.D1908E variant (also known as c.5724C>A), located in coding exon 35 of the FLNC gene, results from a C to A substitution at nucleotide position 5724. The aspartic acid at codon 1908 is replaced by glutamic acid, an amino acid with highly similar properties. This amino acid position is highly conserved in available vertebrate species. In addition, the in silico prediction for this alteration is inconclusive. Since supporting evidence is limited at this time, the clinical significance of this alteration remains unclear.

Labcorp Genetics (formerly Invitae), Labcorp
Classification: Uncertain significance for Distal myopathy with posterior leg and anterior hand involvement; Myofibrillar myopathy 5; Hypertrophic cardiomyopathy 26. Last evaluated: 2024-08-21. Review status: criteria provided, single submitter. Criteria: Invitae Variant Classification Sherloc (09022015). Collection method: clinical testing. Allele origin: germline.
Comment: This sequence change replaces aspartic acid, which is acidic and polar, with glutamic acid, which is acidic and polar, at codon 1908 of the FLNC protein (p.Asp1908Glu). This variant is not present in population databases (gnomAD no frequency). This variant has not been reported in the literature in individuals affected with FLNC-related conditions. ClinVar contains an entry for this variant (Variation ID: 1460963). Invitae Evidence Modeling of protein sequence and biophysical properties (such as structural, functional, and spatial information, amino acid conservation, physicochemical variation, residue mobility, and thermodynamic stability) has been performed for this missense variant. However, the output from this modeling did not meet the statistical confidence thresholds required to predict the impact of this variant on FLNC protein function. In summary, the available evidence is currently insufficient to determine the role of this variant in disease. Therefore, it has been classified as a Variant of Uncertain Significance.